The following is an entry in ClinVar:

NM_001376.5(DYNC1H1):c.6502G>A (p.Val2168Ile)

Gene: DYNC1H1 (dynein cytoplasmic 1 heavy chain 1; plus strand). Cytogenetic location: 14q32.31.
Variant type: single nucleotide variant.
Coding change: c.6502G>A on transcript NM_001376.5 (MANE Select); coding-DNA position 6502, G replaced by A.
Protein change: p.Val2168Ile; replaces valine 2168 with isoleucine.
Molecular consequence: missense variant.
Genome position (GRCh38, 1-based): chr14:102,010,836, G>A. VCF-style: chr14-102010836-G-A. GRCh37 (hg19) VCF-style: chr14-102477173-G-A.
Other names: short protein forms V2168I.
Identifiers: ClinVar variation 589556 (VCV000589556.11), dbSNP rs1567010429, ClinGen allele CA391055656.

ClinVar aggregate classification (germline): Uncertain significance. Review status: criteria provided, multiple submitters, no conflicts (2 of 4 stars). 3 submissions from 3 submitters: Uncertain significance (3). Last evaluated 2023-06-15.

Conditions:
Inborn genetic diseases. Identifiers: MedGen C0950123, MeSH D030342.
Charcot-Marie-Tooth disease axonal type 2O. Also called: Charcot-Marie-Tooth Neuropathy Type 2O; CHARCOT-MARIE-TOOTH NEUROPATHY, AXONAL, TYPE 2O; CHARCOT-MARIE-TOOTH DISEASE, AXONAL, AUTOSOMAL DOMINANT, TYPE 2O; Charcot-Marie-Tooth disease, axonal, type 20. Identifiers: Orphanet 284232, MedGen C3280220, MONDO:0013644, OMIM 614228.

Allele frequency attached by ClinVar (database versions not stated): gnomAD 0.00001.
gnomAD v4.1: 1 of 1,614,144 alleles (0.000062%); highest among the groups gnomAD compares: African/African-American, 0.0013%; no homozygotes.

Submissions (3):

Labcorp Genetics (formerly Invitae), Labcorp
Classification: Uncertain significance for Charcot-Marie-Tooth disease axonal type 2O. Last evaluated: 2023-06-15. Review status: criteria provided, single submitter. Criteria: Invitae Variant Classification Sherloc (09022015). Collection method: clinical testing. Allele origin: germline.
Comment: This sequence change replaces valine, which is neutral and non-polar, with isoleucine, which is neutral and non-polar, at codon 2168 of the DYNC1H1 protein (p.Val2168Ile). This variant is not present in population databases (gnomAD no frequency). This variant has not been reported in the literature in individuals affected with DYNC1H1-related conditions. ClinVar contains an entry for this variant (Variation ID: 589556). Advanced modeling of protein sequence and biophysical properties (such as structural, functional, and spatial information, amino acid conservation, physicochemical variation, residue mobility, and thermodynamic stability) performed at Invitae indicates that this missense variant is not expected to disrupt DYNC1H1 protein function. In summary, the available evidence is currently insufficient to determine the role of this variant in disease. Therefore, it has been classified as a Variant of Uncertain Significance.

Revvity Omics, Revvity
Classification: Uncertain significance. Last evaluated: 2021-08-02. Review status: criteria provided, single submitter. Criteria: ACMG Guidelines, 2015. Collection method: clinical testing. Allele origin: germline.

Ambry Genetics
Classification: Uncertain significance for Inborn genetic diseases. Last evaluated: 2020-10-15. Review status: criteria provided, single submitter. Criteria: Ambry Variant Classification Scheme 2023. Collection method: clinical testing. Allele origin: germline.
Comment: The p.V2168I variant (also known as c.6502G>A), located in coding exon 32 of the DYNC1H1 gene, results from a G to A substitution at nucleotide position 6502. The valine at codon 2168 is replaced by isoleucine, an amino acid with highly similar properties. This amino acid position is well conserved in available vertebrate species. In addition, this alteration is predicted to be tolerated by in silico analysis. Since supporting evidence is limited at this time, the clinical significance of this alteration remains unclear.